The following is an entry in ClinVar:

NM_000540.3(RYR1):c.7989C>T (p.Asn2663=)

Gene: RYR1 (ryanodine receptor 1; plus strand). Cytogenetic location: 19q13.2.
Variant type: single nucleotide variant.
Coding change: c.7989C>T on transcript NM_000540.3 (MANE Select); coding-DNA position 7989, C replaced by T.
Protein change: p.Asn2663=; no amino-acid change (asparagine 2663 retained).
Molecular consequence: synonymous variant.
Genome position (GRCh38, 1-based): chr19:38,504,282, C>T. VCF-style: chr19-38504282-C-T. GRCh37 (hg19) VCF-style: chr19-38994922-C-T.
Other names: c.7989C>T, p.Asn2663= (NM_001042723.2).
Identifiers: ClinVar variation 2139705 (VCV002139705.5), dbSNP rs753632539, ClinGen allele CA071195.

ClinVar aggregate classification (germline): Likely benign. Review status: criteria provided, multiple submitters, no conflicts (2 of 4 stars). 3 submissions from 3 submitters: Likely benign (3). Last evaluated 2025-05-06.

Conditions:
RYR1-related disorder. Also called: RYR1-related condition; RYR1-related disorders. Identifiers: MedGen CN239331.
Malignant hyperthermia, susceptibility to, 1 (MHS1). Also called: RYR1-Related Malignant Hyperthermia Susceptibility; Malignant hyperthermia suceptibility 1; Anesthesia related hyperthermia; Malignant hyperpyrexia; Fulminating hyperpyrexia; Pharmacogenic myopathy. Identifiers: Orphanet 423, MedGen C2930980, MONDO:0007783, OMIM 145600.

Allele frequency attached by ClinVar (database versions not stated): gnomAD 0.00001; ExAC 0.00002; gnomAD exomes 0.00002.
gnomAD v4.1: 31 of 1,614,022 alleles (0.0019%); highest among the groups gnomAD compares: Non-Finnish European, 0.0025%; no homozygotes.

Submissions (3):

Labcorp Genetics (formerly Invitae), Labcorp
Classification: Likely benign for RYR1-related disorder. Last evaluated: 2025-05-06. Review status: criteria provided, single submitter. Criteria: Invitae Variant Classification Sherloc (09022015). Collection method: clinical testing. Allele origin: germline.

All of Us Research Program, National Institutes of Health
Classification: Likely benign for Malignant hyperthermia, susceptibility to, 1. Last evaluated: 2023-12-18. Review status: criteria provided, single submitter. Criteria: ACMG Guidelines, 2015. Collection method: clinical testing. Allele origin: germline. Inheritance: Autosomal dominant inheritance. Observed: 1 variant allele, 1 heterozygote.
Comment: This study involves interpretation of variants in research participants for the purpose of population health screening. Participant phenotype was not available at the time of variant classification. Additional details can be found in publication PMID: 35346344, PMCID: PMC8962531

Color Diagnostics, LLC DBA Color Health
Classification: Likely benign for Malignant hyperthermia, susceptibility to, 1. Last evaluated: 2023-11-01. Review status: criteria provided, single submitter. Criteria: ACMG Guidelines, 2015. Collection method: clinical testing. Allele origin: germline.